The following is an entry in ClinVar:

NM_032608.7(MYO18B):c.7600dup (p.Ala2534fs)

Gene: MYO18B (myosin XVIIIB; plus strand). Cytogenetic location: 22q12.1.
Variant type: Duplication.
Coding change: c.7600dup on transcript NM_032608.7 (MANE Select); coding-DNA position 7600, one base duplicated (G; older notation c.7600dupG).
Protein change: p.Ala2534fs; shifts the reading frame from alanine 2534.
Molecular consequence: frameshift variant.
Genome position (GRCh38, 1-based): chr22:26,027,574, G duplicated. VCF-style (leftmost placement, unchanged base first): chr22-26027573-T-TG. GRCh37 (hg19) VCF-style: chr22-26423539-T-TG.
Other names: c.7603dup, p.Ala2535fs (NM_001318245.2); short protein forms A2535fs, A2534fs.
Identifiers: ClinVar variation 4692449 (VCV004692449.1).

ClinVar aggregate classification (germline): Pathogenic (1 of 4 stars; one submission).

Submission:

Labcorp Genetics (formerly Invitae), Labcorp
Classification: Pathogenic. Last evaluated: 2025-12-24. Review status: criteria provided, single submitter. Criteria: Invitae Variant Classification Sherloc (09022015). Collection method: clinical testing. Allele origin: germline.
Comment: This sequence change creates a premature translational stop signal (p.Ala2534Glyfs*3) in the MYO18B gene. It is expected to result in an absent or disrupted protein product. Loss-of-function variants in MYO18B are known to be pathogenic (PMID: 25748484, 32184166, 32637634). This variant is not present in population databases (gnomAD no frequency). This variant has not been reported in the literature in individuals affected with MYO18B-related conditions. For these reasons, this variant has been classified as Pathogenic.

Literature cited by the submitters: PubMed 25748484; PubMed 32184166; PubMed 32637634.